The following is an entry in ClinVar:

ClinVar aggregate classification (germline): Uncertain significance (1 of 4 stars; one submission).

Conditions:
Trichorhinophalangeal dysplasia type I (TRPS1). Also called: TRICHORHINOPHALANGEAL SYNDROME, TYPE I; TRPS I. Identifiers: Orphanet 77258, MedGen C0432233, MONDO:0008596, OMIM 190350.
Trichorhinophalangeal syndrome, type III (TRPS3). Also called: SUGIO-KAJII SYNDROME. Identifiers: Orphanet 77258, MedGen C1860823, OMIM 190351, MONDO:0008597.

Submission:

Labcorp Genetics (formerly Invitae), Labcorp
Classification: Uncertain significance for Trichorhinophalangeal syndrome, type III; Trichorhinophalangeal dysplasia type I. Last evaluated: 2024-08-02. Review status: criteria provided, single submitter. Criteria: Invitae Variant Classification Sherloc (09022015). Collection method: clinical testing. Allele origin: germline.
Comment: This sequence change replaces serine, which is neutral and polar, with cysteine, which is neutral and slightly polar, at codon 459 of the TRPS1 protein (p.Ser459Cys). This variant is not present in population databases (gnomAD no frequency). This variant has not been reported in the literature in individuals affected with TRPS1-related conditions. Advanced modeling of protein sequence and biophysical properties (such as structural, functional, and spatial information, amino acid conservation, physicochemical variation, residue mobility, and thermodynamic stability) performed at Invitae indicates that this missense variant is not expected to disrupt TRPS1 protein function with a negative predictive value of 80%. In summary, the available evidence is currently insufficient to determine the role of this variant in disease. Therefore, it has been classified as a Variant of Uncertain Significance.

NM_014112.5(TRPS1):c.1376C>G (p.Ser459Cys)

Gene: TRPS1 (transcriptional repressor GATA binding 1; minus strand). Cytogenetic location: 8q23.3.
Variant type: single nucleotide variant.
Coding change: c.1376C>G on transcript NM_014112.5 (MANE Select); coding-DNA position 1376, C replaced by G.
Protein change: p.Ser459Cys; replaces serine 459 with cysteine.
Molecular consequence: missense variant.
Genome position (GRCh38, 1-based): chr8:115,604,593, G>C on the plus strand (C>G on the coding strand, the complement: TRPS1 is on the minus strand). VCF-style: chr8-115604593-G-C. GRCh37 (hg19) VCF-style: chr8-116616820-G-C.
Other names: c.1349C>G, p.Ser450Cys (NM_001282902.3); c.1355C>G, p.Ser452Cys (NM_001282903.3); c.1337C>G, p.Ser446Cys (NM_001330599.2); short protein forms S446C, S450C, S452C, S459C.
Identifiers: ClinVar variation 3756424 (VCV003756424.2).